The following is an entry in ClinVar:

NM_000059.4(BRCA2):c.2865_2868del (p.Asn955fs)

Gene: BRCA2 (BRCA2 DNA repair associated; plus strand). Cytogenetic location: 13q13.1.
Variant type: Deletion.
Coding change: c.2865_2868del on transcript NM_000059.4 (MANE Select); coding-DNA positions 2865 to 2868, 4 bases deleted (CAAA; older notation c.2865_2868delCAAA).
Protein change: p.Asn955fs; shifts the reading frame from asparagine 955.
Molecular consequence: frameshift variant. On other transcripts: non-coding transcript variant (1), intron variant (2).
Genome position (GRCh38, 1-based): chr13:32,337,220-32,337,223, CAAA deleted; deleting any 4 consecutive bases within chr13:32,337,218-32,337,223 gives the same sequence; the c. name uses the placement nearest the transcript's 3' end. VCF-style (leftmost placement, unchanged base first): chr13-32337217-GAACA-G. GRCh37 (hg19) VCF-style: chr13-32911354-GAACA-G.
Other names: c.2865_2868del, p.Asn955fs (NM_001406719.1, NM_001406720.1, NM_001432077.1); c.1909+3833_1909+3836del (NM_001406721.1); c.424+6190_424+6193del (NM_001406722.1); short protein forms N955fs.
Identifiers: ClinVar variation 4725546 (VCV004725546.1).
Genomic context (GRCh38, chr13:32,337,217, plus strand): 5'-TGATAAACAAGCAACCCAAGTGTCAATTAAAAAAGATTTGGTTTATGTTCTTGCAGAGGA[GAACA>G]AAAATAGTGTAAAGCAGCATATAAAAATGACTCTAGGTCAAGATTTAAAATCGGACATCT-3'

ClinVar aggregate classification (germline): Pathogenic (1 of 4 stars; one submission).

Conditions:
Hereditary breast ovarian cancer syndrome. Also called: Hereditary breast and/or ovarian cancer syndrome; Hereditary breast and ovarian cancer syndrome; Breast and ovarian cancer; Hereditary breast and ovarian cancer syndrome (HBOC); BRCA1- and BRCA2-Associated Hereditary Breast and Ovarian Cancer; Hereditary breast and ovarian cancer. Identifiers: Orphanet 145, MedGen C0677776, MeSH D061325, MONDO:0003582. Disease mechanism: loss of function.

Submission:

Labcorp Genetics (formerly Invitae), Labcorp
Classification: Pathogenic for Hereditary breast ovarian cancer syndrome. Last evaluated: 2025-08-17. Review status: criteria provided, single submitter. Criteria: Invitae Variant Classification Sherloc (09022015). Collection method: clinical testing. Allele origin: germline.
Comment: This sequence change creates a premature translational stop signal (p.Asn955Lysfs*4) in the BRCA2 gene. It is expected to result in an absent or disrupted protein product. Loss-of-function variants in BRCA2 are known to be pathogenic (PMID: 20104584). This variant is not present in population databases (gnomAD no frequency). This variant has not been reported in the literature in individuals affected with BRCA2-related conditions. For these reasons, this variant has been classified as Pathogenic.

Literature cited by the submitters: PubMed 20104584.